The following is an entry in ClinVar:

NM_025114.4(CEP290):c.3112T>A (p.Ser1038Thr)

Gene: CEP290 (centrosomal protein 290; minus strand). Cytogenetic location: 12q21.32.
Variant type: single nucleotide variant.
Coding change: c.3112T>A on transcript NM_025114.4 (MANE Select); coding-DNA position 3112, T replaced by A.
Protein change: p.Ser1038Thr; replaces serine 1038 with threonine.
Molecular consequence: missense variant.
Genome position (GRCh38, 1-based): chr12:88,093,967, A>T on the plus strand (T>A on the coding strand, the complement: CEP290 is on the minus strand). VCF-style: chr12-88093967-A-T. GRCh37 (hg19) VCF-style: chr12-88487744-A-T.
Other names: short protein forms S1038T.
Identifiers: ClinVar variation 4990826 (VCV004990826.1).
Genomic context (GRCh38, chr12:88,093,967, plus strand): 5'-TTTTTGAAATGGAAACAATGTCACTGTTGGTTATTGATTTCTTTGCCTTATCCATGCTAG[A>T]TTCATTACCTACATGCAATAATATTTAAGTCAATCTCATGCTGTTTATATTAAAATTACC-3'
Protein context (NP_079390.3, residues 1028-1048): WEQETKLGNE[Ser1038Thr]SMDKAKKSIT

ClinVar aggregate classification (germline): Uncertain significance (1 of 4 stars; one submission).

Conditions:
CEP290-related disorder. Also called: CEP290-related condition; CEP290-related disorders. Identifiers: MedGen CN239314.

Submission:

PreventionGenetics, part of Exact Sciences
Classification: Uncertain significance for CEP290-related condition. Last evaluated: 2026-03-20. Review status: criteria provided, single submitter. Criteria: ACMG Guidelines, 2015. Collection method: clinical testing. Allele origin: germline.
Comment: The CEP290 c.3112T>A variant is predicted to result in the amino acid substitution p.Ser1038Thr. To our knowledge, this variant has not been reported in the literature or in a large population database (gnomAD), indicating this variant is rare. At this time, the clinical significance of this variant is uncertain due to the absence of conclusive functional and genetic evidence.